The following is an entry in ClinVar:

ClinVar aggregate classification (germline): Conflicting classifications of pathogenicity. Review status: criteria provided, conflicting classifications (1 of 4 stars). 2 submissions from 2 submitters: Uncertain significance (1); Likely benign (1). Last evaluated 2025-12-26.

Conditions:
Cardiovascular phenotype. Identifiers: MedGen CN230736.

gnomAD v4.1: 7 of 1,614,220 alleles (0.00043%); highest among the groups gnomAD compares: Non-Finnish European, 0.00059%; no homozygotes.

Submissions (2):

Ambry Genetics
Classification: Likely benign for Cardiovascular phenotype. Last evaluated: 2025-12-26. Review status: criteria provided, single submitter. Criteria: Ambry Variant Classification Scheme 2023. Collection method: clinical testing. Allele origin: germline.

Labcorp Genetics (formerly Invitae), Labcorp
Classification: Uncertain significance. Last evaluated: 2025-12-13. Review status: criteria provided, single submitter. Criteria: Invitae Variant Classification Sherloc (09022015). Collection method: clinical testing. Allele origin: germline.
Comment: This sequence change replaces glutamic acid, which is acidic and polar, with aspartic acid, which is acidic and polar, at codon 693 of the ALPK3 protein (p.Glu693Asp). This variant is present in population databases (no rsID available, gnomAD 0.002%). This variant has not been reported in the literature in individuals affected with ALPK3-related conditions. ClinVar contains an entry for this variant (Variation ID: 1785509). An algorithm developed to predict the effect of missense changes on protein structure and function outputs the following: PolyPhen-2: "Benign". The aspartic acid amino acid residue is found in multiple mammalian species, which suggests that this missense change does not adversely affect protein function. In summary, the available evidence is currently insufficient to determine the role of this variant in disease. Therefore, it has been classified as a Variant of Uncertain Significance.

NM_020778.5(ALPK3):c.1473G>C (p.Glu491Asp)

Gene: ALPK3 (alpha kinase 3; plus strand). Cytogenetic location: 15q25.3.
Variant type: single nucleotide variant.
Coding change: c.1473G>C on transcript NM_020778.5 (MANE Select); coding-DNA position 1473, G replaced by C.
Protein change: p.Glu491Asp; replaces glutamic acid 491 with aspartic acid.
Molecular consequence: missense variant.
Genome position (GRCh38, 1-based): chr15:84,840,752, G>C. VCF-style: chr15-84840752-G-C. GRCh37 (hg19) VCF-style: chr15-85383983-G-C.
Other names: short protein forms E491D.
Identifiers: ClinVar variation 1785509 (VCV001785509.6), dbSNP rs1168370877, ClinGen allele CA393375697.